The following is an entry in ClinVar:

NM_001035.3(RYR2):c.3524T>G (p.Phe1175Cys)

Gene: RYR2 (ryanodine receptor 2; plus strand). Cytogenetic location: 1q43.
Variant type: single nucleotide variant.
Coding change: c.3524T>G on transcript NM_001035.3 (MANE Select); coding-DNA position 3524, T replaced by G.
Protein change: p.Phe1175Cys; replaces phenylalanine 1175 with cysteine.
Molecular consequence: missense variant.
Genome position (GRCh38, 1-based): chr1:237,569,245, T>G. VCF-style: chr1-237569245-T-G. GRCh37 (hg19) VCF-style: chr1-237732545-T-G.
Other names: short protein forms F1175C.
Identifiers: ClinVar variation 3385707 (VCV003385707.1).
Genomic context (GRCh38, chr1:237,569,245, plus strand): 5'-CTTGGCAAGCAGGCGATGTCGTGGGGTGTATGGTTGACATGAACGAACACACCATGATGT[T>G]CACACTGAATGGTGAAATCCTTCTTGATGATTCAGGCTCAGAACTGGCTTTCAAGGACTT-3'
Protein context (NP_001026.2, residues 1165-1185): MVDMNEHTMM[Phe1175Cys]TLNGEILLDD

ClinVar aggregate classification (germline): Uncertain significance (1 of 4 stars; one submission).

Conditions:
Catecholaminergic polymorphic ventricular tachycardia (CVPT). Also called: Catecholamine-induced polymorphic ventricular tachycardia. Identifiers: Orphanet 3286, MedGen C5574922, MONDO:0017990.

Submission:

All of Us Research Program, National Institutes of Health
Classification: Uncertain significance for Catecholaminergic polymorphic ventricular tachycardia. Last evaluated: 2024-04-25. Review status: criteria provided, single submitter. Criteria: ACMG Guidelines, 2015. Collection method: clinical testing. Allele origin: germline. Inheritance: Autosomal dominant inheritance. Observed: 1 variant allele, 1 heterozygote.
Comment: This missense variant replaces phenylalanine with cysteine at codon 1175 of the RYR2 protein. Computational prediction suggests that this variant may have deleterious impact on protein structure and function (internally defined REVEL score threshold >= 0.7, PMID: 27666373). To our knowledge, functional studies have not been reported for this variant. This variant has not been reported in individuals affected with RYR2-related disorders in the literature. This variant has not been identified in the general population by the Genome Aggregation Database (gnomAD). The available evidence is insufficient to determine the role of this variant in disease conclusively. Therefore, this variant is classified as a Variant of Uncertain Significance.

This study involves interpretation of variants in research participants for the purpose of population health screening. Participant phenotype was not available at the time of variant classification. Additional details can be found in publication PMID: 35346344, PMCID: PMC8962531